The following is an entry in ClinVar:

NM_001244710.2(GFPT1):c.2055+3A>G

Gene: GFPT1 (glutamine--fructose-6-phosphate transaminase 1; minus strand). Cytogenetic location: 2p13.3.
Variant type: single nucleotide variant.
Coding change: c.2055+3A>G on transcript NM_001244710.2 (MANE Select); 3 bases into the intron after coding-DNA position 2055, A replaced by G.
Molecular consequence: intron variant.
Genome position (GRCh38, 1-based): chr2:69,326,911, T>C on the plus strand (A>G on the coding strand, the complement: GFPT1 is on the minus strand). VCF-style: chr2-69326911-T-C. GRCh37 (hg19) VCF-style: chr2-69554043-T-C.
Other names: c.2001+3A>G (NM_002056.4).
Identifiers: ClinVar variation 473132 (VCV000473132.9), dbSNP rs937857366, ClinGen allele CA49444869.

ClinVar aggregate classification (germline): Uncertain significance (1 of 4 stars; one submission).

Conditions:
Congenital myasthenic syndrome 12 (CMS12). Also called: MYASTHENIC SYNDROME, CONGENITAL, WITH TUBULAR AGGREGATES 1; Myasthenia, congenital, 12, with tubular aggregates. Identifiers: Orphanet 353327, Orphanet 590, MedGen C3552335, MONDO:0012518, OMIM 610542.

Allele frequency attached by ClinVar (database versions not stated): gnomAD exomes below 0.00001; gnomAD 0.00001; TOPMed 0.00006.
gnomAD v4.1: 8 of 1,613,974 alleles (0.0005%); highest among the groups gnomAD compares: African/African-American, 0.0053%; no homozygotes.

Submission:

Labcorp Genetics (formerly Invitae), Labcorp
Classification: Uncertain significance for Congenital myasthenic syndrome 12. Last evaluated: 2023-12-15. Review status: criteria provided, single submitter. Criteria: Invitae Variant Classification Sherloc (09022015). Collection method: clinical testing. Allele origin: germline.
Comment: This sequence change falls in intron 18 of the GFPT1 gene. It does not directly change the encoded amino acid sequence of the GFPT1 protein. It affects a nucleotide within the consensus splice site. This variant is present in population databases (no rsID available, gnomAD 0.007%). This variant has not been reported in the literature in individuals affected with GFPT1-related conditions. ClinVar contains an entry for this variant (Variation ID: 473132). Variants that disrupt the consensus splice site are a relatively common cause of aberrant splicing (PMID: 17576681, 9536098). Algorithms developed to predict the effect of sequence changes on RNA splicing suggest that this variant is not likely to affect RNA splicing. In summary, the available evidence is currently insufficient to determine the role of this variant in disease. Therefore, it has been classified as a Variant of Uncertain Significance.

Literature cited by the submitters: PubMed 17576681; PubMed 9536098.